The following is an entry in ClinVar:

NM_000455.5(STK11):c.266C>G (p.Pro89Arg)

Gene: STK11 (serine/threonine kinase 11; plus strand). Cytogenetic location: 19p13.3.
Variant type: single nucleotide variant.
Coding change: c.266C>G on transcript NM_000455.5 (MANE Select); coding-DNA position 266, C replaced by G.
Protein change: p.Pro89Arg; replaces proline 89 with arginine.
Molecular consequence: missense variant.
Genome position (GRCh38, 1-based): chr19:1,207,179, C>G. VCF-style: chr19-1207179-C-G. GRCh37 (hg19) VCF-style: chr19-1207178-C-G.
Other names: c.266C>G, p.Pro89Arg (NM_001407255.1); short protein forms P89R.
Identifiers: ClinVar variation 2044535 (VCV002044535.4), dbSNP rs2145405922, ClinGen allele CA402944567.
Genomic context (GRCh38, chr19:1,207,179, plus strand): 5'-CGGAGACGCTGTGCAGGAGGGCCGTCAAGATCCTCAAGAAGAAGAAGTTGCGAAGGATCC[C>G]CAACGGGGAGGCCAACGTGAAGAAGTAAGTATGGCTTGCTGGGGTCGGGGCCGGGCCGGG-3'
Protein context (NP_000446.1, residues 79-99): ILKKKKLRRI[Pro89Arg]NGEANVKKEI

ClinVar aggregate classification (germline): Uncertain significance (1 of 4 stars; one submission).

Conditions:
Peutz-Jeghers syndrome (PJS). Also called: POLYPOSIS, HAMARTOMATOUS INTESTINAL; POLYPS-AND-SPOTS SYNDROME; Peutz-Jeghers polyposis; Periorificial lentiginosis syndrome. Identifiers: Orphanet 2869, MedGen C0031269, MeSH D010580, MONDO:0008280, OMIM 175200.

Submission:

Labcorp Genetics (formerly Invitae), Labcorp
Classification: Uncertain significance for Peutz-Jeghers syndrome. Last evaluated: 2021-12-16. Review status: criteria provided, single submitter. Criteria: Invitae Variant Classification Sherloc (09022015). Collection method: clinical testing. Allele origin: germline.
Comment: This variant has not been reported in the literature in individuals affected with STK11-related conditions. This sequence change replaces proline, which is neutral and non-polar, with arginine, which is basic and polar, at codon 89 of the STK11 protein (p.Pro89Arg). This variant is not present in population databases (gnomAD no frequency). Advanced modeling of protein sequence and biophysical properties (such as structural, functional, and spatial information, amino acid conservation, physicochemical variation, residue mobility, and thermodynamic stability) performed at Invitae indicates that this missense variant is expected to disrupt STK11 protein function. In summary, the available evidence is currently insufficient to determine the role of this variant in disease. Therefore, it has been classified as a Variant of Uncertain Significance.